The following is an entry in ClinVar:

ClinVar aggregate classification (germline): Likely benign. Review status: criteria provided, multiple submitters, no conflicts (2 of 4 stars). 3 submissions from 3 submitters: Likely benign (2). 1 of the submissions does not count toward it. Last evaluated 2024-02-24.

Conditions:
INPP5E-related disorder. Also called: INPP5E-related condition.
MORM syndrome (MORMS). Identifiers: Orphanet 75858, MedGen C1857802, MONDO:0012423, OMIM 610156.
Joubert syndrome 1 (JBTS1). Also called: Cerebellooculorenal syndrome 1; CEREBELLOPARENCHYMAL DISORDER IV. Identifiers: MedGen C4551568, MONDO:0008944, OMIM 213300.
Joubert syndrome. Also called: JOUBERT-BOLTSHAUSER SYNDROME; Familial aplasia of the vermis. Identifiers: Orphanet 475, MedGen C5979921, MONDO:0018772.

gnomAD v4.1: 7 of 1,602,948 alleles (0.00044%); highest among the groups gnomAD compares: Admixed American, 0.0085%; no homozygotes.

Submissions (3):

Labcorp Genetics (formerly Invitae), Labcorp
Classification: Likely benign for Joubert syndrome. Last evaluated: 2024-02-24. Review status: criteria provided, single submitter. Criteria: Invitae Variant Classification Sherloc (09022015). Collection method: clinical testing. Allele origin: germline.

Fulgent Genetics
Classification: Likely benign for Joubert syndrome 1; MORM syndrome. Last evaluated: 2021-09-20. Review status: criteria provided, single submitter. Criteria: ACMG Guidelines, 2015. Collection method: clinical testing. Allele origin: unknown.

PreventionGenetics, part of Exact Sciences
Classification: Likely benign for INPP5E-related condition. Last evaluated: 2021-09-23. Review status: no assertion criteria provided. Collection method: clinical testing. Allele origin: germline. Not counted in ClinVar's aggregate classification.
Comment: This variant is classified as likely benign based on ACMG/AMP sequence variant interpretation guidelines (Richards et al. 2015 PMID: 25741868, with internal and published modifications).

NM_019892.6(INPP5E):c.813-9C>T

Gene: INPP5E (inositol polyphosphate-5-phosphatase E; minus strand). Cytogenetic location: 9q34.3.
Variant type: single nucleotide variant.
Coding change: c.813-9C>T on transcript NM_019892.6 (MANE Select); 9 bases into the intron before coding-DNA position 813, C replaced by T.
Molecular consequence: intron variant.
Genome position (GRCh38, 1-based): chr9:136,434,872, G>A on the plus strand (C>T on the coding strand, the complement: INPP5E is on the minus strand). VCF-style: chr9-136434872-G-A. GRCh37 (hg19) VCF-style: chr9-139329324-G-A.
Other names: c.813-9C>T (NM_001318502.2, NM_019892.5).
Identifiers: ClinVar variation 1101653 (VCV001101653.11), dbSNP rs771055995, ClinGen allele CA201644947.